The following is an entry in ClinVar:

ClinVar aggregate classification (germline): Pathogenic (1 of 4 stars; one submission).

Submission:

Labcorp Genetics (formerly Invitae), Labcorp
Classification: Pathogenic. Last evaluated: 2023-07-16. Review status: criteria provided, single submitter. Criteria: Invitae Variant Classification Sherloc (09022015). Collection method: clinical testing. Allele origin: unknown.
Comment: For these reasons, this variant has been classified as Pathogenic. This variant has not been reported in the literature in individuals affected with TBCE-related conditions. This variant is a gross deletion of the genomic region encompassing exon(s) 2-3 of the TBCE gene, which includes the initiator codon. This deletion extends beyond the assayed region for this gene and therefore may encompass additional genes. It is expected to result in an absent or disrupted protein product. Loss-of-function variants in TBCE are known to be pathogenic (PMID: 27666369, 34134906, 34356170).

Literature cited by the submitters: PubMed 27666369; PubMed 34134906; PubMed 34356170.

NC_000001.10:g.(?_235543365)_(235564922_?)del

Gene: TBCE (tubulin folding cofactor E; plus strand). Cytogenetic location: 1q42.3.
Variant type: Deletion.
Identifiers: ClinVar variation 3247953 (VCV003247953.1).